The following is an entry in ClinVar:

NM_030581.4(WDR59):c.384C>T (p.Thr128=)

Gene: WDR59 (WD repeat domain 59; minus strand). Cytogenetic location: 16q23.1.
Variant type: single nucleotide variant.
Coding change: c.384C>T on transcript NM_030581.4 (MANE Select); coding-DNA position 384, C replaced by T.
Protein change: p.Thr128=; no amino-acid change (threonine 128 retained).
Molecular consequence: synonymous variant.
Genome position (GRCh38, 1-based): chr16:74,949,741, G>A on the plus strand (C>T on the coding strand, the complement: WDR59 is on the minus strand). VCF-style: chr16-74949741-G-A. GRCh37 (hg19) VCF-style: chr16-74983639-G-A.
Other names: c.384C>T, p.Thr128= (NM_001324171.2, NM_001324172.2).
Identifiers: ClinVar variation 2646867 (VCV002646867.24), dbSNP rs143754167, ClinGen allele CA8171702.

ClinVar aggregate classification (germline): Likely benign (1 of 4 stars; one submission).

Allele frequency attached by ClinVar (database versions not stated): 1000 Genomes Project 30x 0.00031; 1000 Genomes Project 0.00040; ESP Exome Variant Server 0.00154; ExAC 0.00182; TOPMed 0.00183; gnomAD 0.00203.
gnomAD v4.1: 5,217 of 1,613,842 alleles (0.32%); highest among the groups gnomAD compares: Non-Finnish European, 0.41%; 14 homozygotes.

Submission:

CeGaT Center for Human Genetics Tuebingen
Classification: Likely benign. Last evaluated: 2022-03-01. Review status: criteria provided, single submitter. Criteria: CeGaT Center For Human Genetics Tuebingen Variant Classification Criteria Version 2. Collection method: clinical testing. Allele origin: germline. Affected: yes. Observed: 1 variant allele.
Comment: WDR59: BP4, BP7